The following is an entry in ClinVar:

ClinVar aggregate classification (germline): Uncertain significance. Review status: criteria provided, multiple submitters, no conflicts (2 of 4 stars). 6 submissions from 6 submitters: Uncertain significance (6). Last evaluated 2025-12-17.

Conditions:
Hereditary nonpolyposis colorectal neoplasms. Identifiers: MedGen C0009405, MeSH D003123.
Hereditary cancer-predisposing syndrome. Also called: Neoplastic Syndromes, Hereditary; Tumor predisposition; Hereditary neoplastic syndrome; Hereditary Cancer Syndrome. Identifiers: Orphanet 140162, MedGen C0027672, MeSH D009386, MONDO:0015356.
Endometrial carcinoma. Also called: Endometrial carcinoma, somatic. Identifiers: MedGen C0476089, MONDO:0002447, OMIM 608089, HP:0012114.

Submissions (6):

Ambry Genetics
Classification: Uncertain significance for Hereditary cancer-predisposing syndrome. Last evaluated: 2025-12-17. Review status: criteria provided, single submitter. Criteria: Ambry Variant Classification Scheme 2023. Collection method: clinical testing. Allele origin: germline.
Comment: The p.E993D variant (also known as c.2979A>T), located in coding exon 4 of the MSH6 gene, results from an A to T substitution at nucleotide position 2979. The glutamic acid at codon 993 is replaced by aspartic acid, an amino acid with highly similar properties. This amino acid position is well conserved in available vertebrate species. In addition, the in silico prediction for this alteration is inconclusive. Based on the available evidence, the clinical significance of this variant remains unclear.

Labcorp Genetics (formerly Invitae), Labcorp
Classification: Uncertain significance for Hereditary nonpolyposis colorectal neoplasms. Last evaluated: 2024-10-22. Review status: criteria provided, single submitter. Criteria: Invitae Variant Classification Sherloc (09022015). Collection method: clinical testing. Allele origin: germline.
Comment: This sequence change replaces glutamic acid, which is acidic and polar, with aspartic acid, which is acidic and polar, at codon 993 of the MSH6 protein (p.Glu993Asp). This variant is not present in population databases (gnomAD no frequency). This variant has not been reported in the literature in individuals affected with MSH6-related conditions. ClinVar contains an entry for this variant (Variation ID: 439206). Invitae Evidence Modeling of protein sequence and biophysical properties (such as structural, functional, and spatial information, amino acid conservation, physicochemical variation, residue mobility, and thermodynamic stability) indicates that this missense variant is not expected to disrupt MSH6 protein function with a negative predictive value of 95%. In summary, the available evidence is currently insufficient to determine the role of this variant in disease. Therefore, it has been classified as a Variant of Uncertain Significance.

Color Diagnostics, LLC DBA Color Health
Classification: Uncertain significance for Hereditary cancer-predisposing syndrome. Last evaluated: 2023-12-04. Review status: criteria provided, single submitter. Criteria: ACMG Guidelines, 2015. Collection method: clinical testing. Allele origin: germline.
Comment: This missense variant replaces glutamic acid with aspartic acid at codon 993 of the MSH6 protein. Computational prediction suggests that this variant may not impact protein structure and function (internally defined REVEL score threshold <= 0.5, PMID: 27666373). To our knowledge, functional studies have not been reported for this variant. This variant has not been reported in individuals affected with MSH6-related disorders in the literature. This variant has not been identified in the general population by the Genome Aggregation Database (gnomAD). The available evidence is insufficient to determine the role of this variant in disease conclusively. Therefore, this variant is classified as a Variant of Uncertain Significance.

Baylor Genetics
Classification: Uncertain significance for Endometrial carcinoma. Last evaluated: 2023-10-05. Review status: criteria provided, single submitter. Criteria: ACMG Guidelines, 2015. Collection method: clinical testing. Allele origin: unknown.

Women's Health and Genetics/Laboratory Corporation of America, LabCorp
Classification: Uncertain significance. Last evaluated: 2022-08-14. Review status: criteria provided, single submitter. Criteria: LabCorp Variant Classification Summary - May 2015. Collection method: clinical testing. Allele origin: germline.

Quest Diagnostics Nichols Institute San Juan Capistrano
Classification: Uncertain significance. Last evaluated: 2017-05-22. Review status: criteria provided, single submitter. Criteria: Quest Diagnostics criteria. Collection method: clinical testing. Allele origin: germline.

NM_000179.3(MSH6):c.2979A>T (p.Glu993Asp)

Gene: MSH6 (mutS homolog 6; plus strand). Cytogenetic location: 2p16.3.
Variant type: single nucleotide variant.
Coding change: c.2979A>T on transcript NM_000179.3 (MANE Select); coding-DNA position 2979, A replaced by T.
Protein change: p.Glu993Asp; replaces glutamic acid 993 with aspartic acid.
Molecular consequence: missense variant.
Genome position (GRCh38, 1-based): chr2:47,800,962, A>T. VCF-style: chr2-47800962-A-T. GRCh37 (hg19) VCF-style: chr2-48028101-A-T.
Other names: c.2589A>T, p.Glu863Asp (NM_001281492.2); c.2073A>T, p.Glu691Asp (NM_001281493.2, NM_001281494.2); short protein forms E993D, E691D, E863D.
Identifiers: ClinVar variation 439206 (VCV000439206.19), dbSNP rs370462886, ClinGen allele CA346756355.